The following is an entry in ClinVar:

ClinVar aggregate classification (germline): Uncertain significance (1 of 4 stars; one submission).

Conditions:
Seizures, benign familial infantile, 3 (BFIS3). Also called: CONVULSIONS, BENIGN FAMILIAL INFANTILE, 3; Familial neonatal seizures. Identifiers: Orphanet 140927, Orphanet 306, MedGen C1843140, MONDO:0011904, OMIM 607745.

Submission:

Illumina Laboratory Services, Illumina
Classification: Uncertain significance for Seizures, benign familial infantile, 3. Last evaluated: 2017-04-28. Review status: criteria provided, single submitter. Criteria: ICSL Variant Classification Criteria 13 December 2019. Collection method: clinical testing. Allele origin: germline.
Comment: This variant was observed as part of a predisposition screen in an ostensibly healthy population. A literature search was performed for the gene, cDNA change, and amino acid change (where applicable). Publications were found based on this search. However, the evidence from the literature, in combination with allele frequency data from public databases where available, was not sufficient to rule this variant in or out of causing disease. Therefore, this variant is classified as a variant of unknown significance.

Literature cited by the submitters: PubMed 26993267.

NM_001040142.2(SCN2A):c.2619C>A (p.Ile873=)

Gene: SCN2A (sodium voltage-gated channel alpha subunit 2; plus strand). Cytogenetic location: 2q24.3.
Variant type: single nucleotide variant.
Coding change: c.2619C>A on transcript NM_001040142.2 (MANE Select); coding-DNA position 2619, C replaced by A.
Protein change: p.Ile873=; no amino-acid change (isoleucine 873 retained).
Molecular consequence: synonymous variant.
Genome position (GRCh38, 1-based): chr2:165,344,611, C>A. VCF-style: chr2-165344611-C-A. GRCh37 (hg19) VCF-style: chr2-166201121-C-A.
Other names: c.2619C>A, p.Ile873= (NM_001040143.2, NM_001371246.1, NM_001371247.1 and 1 more transcripts).
Identifiers: ClinVar variation 892876 (VCV000892876.4), dbSNP rs868404050, ClinGen allele CA429885368.
Genomic context (GRCh38, chr2:165,344,611, plus strand): 5'-CCAGCTCCGAGTTTTCAAGTTGGCAAAATCTTGGCCAACTCTAAATATGCTAATTAAGAT[C>A]ATTGGCAATTCTGTGGGGGCTCTAGGAAACCTCACCTTGGTATTGGCCATCATCGTCTTC-3'
Protein context (NP_001035232.1, residues 863-883): SWPTLNMLIK[Ile873=]IGNSVGALGN